The following is an entry in ClinVar:

ClinVar aggregate classification (germline): Uncertain significance (1 of 4 stars; one submission).

Submission:

GeneDx
Classification: Uncertain significance. Last evaluated: 2022-01-21. Review status: criteria provided, single submitter. Criteria: GeneDx Variant Classification Process June 2021. Collection method: clinical testing. Allele origin: germline. Affected: yes.
Comment: Not observed at significant frequency in large population cohorts (gnomAD); Frameshift variant resulting in the replacement of the last 10 amino acids with 20 different amino acids; Has not been previously published as pathogenic or benign to our knowledge

NM_001303052.2(MYT1L):c.3530_3531del (p.Ile1177fs)

Gene: MYT1L (myelin transcription factor 1 like; minus strand). Cytogenetic location: 2p25.3.
Variant type: Microsatellite.
Coding change: c.3530_3531del on transcript NM_001303052.2 (MANE Select); coding-DNA positions 3530 to 3531, 2 bases deleted (TA; older notation c.3530_3531delTA).
Protein change: p.Ile1177fs; shifts the reading frame from isoleucine 1177.
Molecular consequence: frameshift variant. On other transcripts: 3 prime UTR variant (2), intron variant (2).
Genome position (GRCh38, 1-based): chr2:1,791,897-1,791,898, TA deleted on the plus strand (TA on the coding strand, the reverse complement: MYT1L is on the minus strand); deleting any 2 consecutive bases within chr2:1,791,897-1,791,901 gives the same sequence; the c. name uses the placement nearest the transcript's 3' end. VCF-style (leftmost placement, unchanged base first): chr2-1791896-TTA-T. GRCh37 (hg19) VCF-style: chr2-1795668-TTA-T.
Other names: c.3530_3531del, p.Ile1177fs (NM_001329844.2, NM_001329845.1); c.3524_3525del, p.Ile1175fs (NM_001329847.2, NM_001329848.1, NM_015025.4); c.*409TA[1] (NM_001329851.3, NM_001329852.3); c.3420+423_3420+424del (NM_001329849.3); c.3414+423_3414+424del (NM_001329846.3); short protein forms I1175fs, I1177fs.
Identifiers: ClinVar variation 1699760 (VCV001699760.2), dbSNP rs2147782557, ClinGen allele CA2580611587.
Genomic context (GRCh38, chr2:1,791,896, plus strand): 5'-TAAGCAAGAGTTTCATCACTACAGCAGCTGTTCAGACCTGAATTCCTCTCACAGCCTGCT[TTA>T]TATTTTCCAGTAGGGCTTTATTTTCTGGACTCTGATAACGATCTTGATTTGTATACATTT-3'